The following is an entry in ClinVar:

ClinVar aggregate classification (germline): Uncertain significance. Review status: criteria provided, multiple submitters, no conflicts (2 of 4 stars). 4 submissions from 4 submitters: Uncertain significance (4). Last evaluated 2025-11-25.

Conditions:
Hajdu-Cheney syndrome (HJCYS). Also called: Acroosteolysis dominant type; SERPENTINE FIBULA-POLYCYSTIC KIDNEY SYNDROME; ACROOSTEOLYSIS WITH OSTEOPOROSIS AND CHANGES IN SKULL AND MANDIBLE. Identifiers: Orphanet 955, MedGen C0917715, MONDO:0007057, OMIM 102500.
NOTCH2-related disorder. Also called: NOTCH2-related condition.
Inborn genetic diseases. Identifiers: MedGen C0950123, MeSH D030342.

Allele frequency attached by ClinVar (database versions not stated): gnomAD exomes below 0.00001; ExAC 0.00001; gnomAD 0.00001.
gnomAD v4.1: 5 of 1,613,440 alleles (0.00031%); highest among the groups gnomAD compares: Non-Finnish European, 0.00042%; no homozygotes.

Submissions (4):

PreventionGenetics, part of Exact Sciences
Classification: Uncertain significance for NOTCH2-related condition. Last evaluated: 2025-11-25. Review status: criteria provided, single submitter. Criteria: ACMG Guidelines, 2015. Collection method: clinical testing. Allele origin: germline.
Comment: The NOTCH2 c.3347T>C variant is predicted to result in the amino acid substitution p.Val1116Ala. To our knowledge, this variant has not been reported in the literature. This variant is reported in 0.00089% of alleles in individuals of European (Non-Finnish) descent in gnomAD. At this time, the clinical significance of this variant is uncertain due to the absence of conclusive functional and genetic evidence.

Ambry Genetics
Classification: Uncertain significance for Inborn genetic diseases. Last evaluated: 2025-02-23. Review status: criteria provided, single submitter. Criteria: Ambry Variant Classification Scheme 2023. Collection method: clinical testing. Allele origin: germline.

Labcorp Genetics (formerly Invitae), Labcorp
Classification: Uncertain significance for Hajdu-Cheney syndrome. Last evaluated: 2022-07-15. Review status: criteria provided, single submitter. Criteria: Invitae Variant Classification Sherloc (09022015). Collection method: clinical testing. Allele origin: germline.
Comment: This sequence change replaces valine, which is neutral and non-polar, with alanine, which is neutral and non-polar, at codon 1116 of the NOTCH2 protein (p.Val1116Ala). In summary, the available evidence is currently insufficient to determine the role of this variant in disease. Therefore, it has been classified as a Variant of Uncertain Significance. Advanced modeling of protein sequence and biophysical properties (such as structural, functional, and spatial information, amino acid conservation, physicochemical variation, residue mobility, and thermodynamic stability) performed at Invitae indicates that this missense variant is not expected to disrupt NOTCH2 protein function. This variant has not been reported in the literature in individuals affected with NOTCH2-related conditions. This variant is present in population databases (rs781793211, gnomAD 0.0009%).

Blueprint Genetics
Classification: Uncertain significance. Last evaluated: 2020-01-10. Review status: criteria provided, single submitter. Criteria: ACMG Guidelines, 2015. Collection method: clinical testing. Allele origin: germline.

NM_024408.4(NOTCH2):c.3347T>C (p.Val1116Ala)

Gene: NOTCH2 (notch receptor 2; minus strand). Cytogenetic location: 1p12.
Variant type: single nucleotide variant.
Coding change: c.3347T>C on transcript NM_024408.4 (MANE Select); coding-DNA position 3347, T replaced by C.
Protein change: p.Val1116Ala; replaces valine 1116 with alanine.
Molecular consequence: missense variant.
Genome position (GRCh38, 1-based): chr1:119,937,457, A>G on the plus strand (T>C on the coding strand, the complement: NOTCH2 is on the minus strand). VCF-style: chr1-119937457-A-G. GRCh37 (hg19) VCF-style: chr1-120480080-A-G.
Other names: c.3347T>C (NM_024408.3); c.3347T>C, p.Val1116Ala (NM_001200001.2); short protein forms V1116A.
Identifiers: ClinVar variation 1930705 (VCV001930705.8), dbSNP rs781793211, ClinGen allele CA1040082.